The following is an entry in ClinVar:

ClinVar aggregate classification (germline): Uncertain significance. Review status: criteria provided, multiple submitters, no conflicts (2 of 4 stars). 2 submissions from 2 submitters: Uncertain significance (2). Last evaluated 2025-11-23.

Conditions:
Hereditary cancer-predisposing syndrome. Also called: Neoplastic Syndromes, Hereditary; Tumor predisposition; Hereditary Cancer Syndrome; Hereditary neoplastic syndrome. Identifiers: Orphanet 140162, MedGen C0027672, MeSH D009386, MONDO:0015356.
Ataxia-telangiectasia-like disorder (ATLD). Identifiers: MedGen C1858391, MONDO:0011457.

Submissions (2):

Labcorp Genetics (formerly Invitae), Labcorp
Classification: Uncertain significance for Ataxia-telangiectasia-like disorder. Last evaluated: 2025-11-23. Review status: criteria provided, single submitter. Criteria: Invitae Variant Classification Sherloc (09022015). Collection method: clinical testing. Allele origin: germline.
Comment: This sequence change replaces aspartic acid, which is acidic and polar, with histidine, which is basic and polar, at codon 692 of the MRE11 protein (p.Asp692His). This variant is not present in population databases (gnomAD no frequency). This variant has not been reported in the literature in individuals affected with MRE11-related conditions. ClinVar contains an entry for this variant (Variation ID: 231128). An algorithm developed to predict the effect of missense changes on protein structure and function (PolyPhen-2) suggests that this variant is likely to be disruptive. In summary, the available evidence is currently insufficient to determine the role of this variant in disease. Therefore, it has been classified as a Variant of Uncertain Significance.

Ambry Genetics
Classification: Uncertain significance for Hereditary cancer-predisposing syndrome. Last evaluated: 2024-03-01. Review status: criteria provided, single submitter. Criteria: Ambry Variant Classification Scheme 2023. Collection method: clinical testing. Allele origin: germline.
Comment: The p.D692H variant (also known as c.2074G>C), located in coding exon 19 of the MRE11A gene, results from a G to C substitution at nucleotide position 2074. The aspartic acid at codon 692 is replaced by histidine, an amino acid with similar properties. This amino acid position is highly conserved in available vertebrate species. In addition, the in silico prediction for this alteration is inconclusive. Since supporting evidence is limited at this time, the clinical significance of this alteration remains unclear.

NM_005591.4(MRE11):c.2074G>C (p.Asp692His)

Gene: MRE11 (MRE11 double strand break repair nuclease; minus strand). Cytogenetic location: 11q21.
Variant type: single nucleotide variant.
Coding change: c.2074G>C on transcript NM_005591.4 (MANE Select); coding-DNA position 2074, G replaced by C.
Protein change: p.Asp692His; replaces aspartic acid 692 with histidine.
Molecular consequence: missense variant.
Genome position (GRCh38, 1-based): chr11:94,420,178, C>G on the plus strand (G>C on the coding strand, the complement: MRE11 is on the minus strand). VCF-style: chr11-94420178-C-G. GRCh37 (hg19) VCF-style: chr11-94153344-C-G.
Other names: c.2071G>C, p.Asp691His (NM_001330347.2); c.1990G>C, p.Asp664His (NM_005590.4); short protein forms D692H, D691H, D664H.
Identifiers: ClinVar variation 231128 (VCV000231128.6), dbSNP rs876658974, ClinGen allele CA10579353.